The following is an entry in ClinVar:

ClinVar aggregate classification (germline): Conflicting classifications of pathogenicity. Review status: criteria provided, conflicting classifications (1 of 4 stars). 5 submissions from 5 submitters: Pathogenic (1); Likely pathogenic (1); Uncertain significance (2). 1 of the submissions does not count toward it. Last evaluated 2026-05-06.

Conditions:
Usher syndrome type 2A. Also called: USHER SYNDROME, TYPE IIA; RETINAL DISEASE IN USHER SYNDROME TYPE IIA, MODIFIER OF. Identifiers: Orphanet 231178, Orphanet 886, MedGen C1848634, MONDO:0010169, OMIM 276901.
USH2A-related disorder. Also called: USH2A-related condition; USH2A-related disorders. Identifiers: MedGen CN239332.

Allele frequency attached by ClinVar (database versions not stated): gnomAD exomes 0.00001.
gnomAD v4.1: 3 of 1,610,462 alleles (0.00019%); highest among the groups gnomAD compares: Admixed American, 0.005%; no homozygotes.

Submissions (5):

Myriad Genetics, Inc.
Classification: Uncertain significance for USH2A-related disorder. Last evaluated: 2026-05-06. Review status: criteria provided, single submitter. Criteria: Myriad Autosomal Dominant, Autosomal Recessive and X-Linked Classification Criteria (2023). Collection method: clinical testing. Allele origin: unknown.
Comment: NM_206933.2(USH2A):c.5298+5G>A is an intronic variant classified as a variant of uncertain significance in the context of USH2A-related disorders. c.5298+5G>A has been observed in a case with relevant disease (PMID: 34948090). Relevant functional assessments of this variant are not available in the literature. c.5298+5G>A has been observed in referenced population frequency databases. In summary, there is insufficient evidence to classify NM_206933.2(USH2A):c.5298+5G>A as pathogenic or benign. Please note: this variant was assessed in the context of healthy population screening.

Labcorp Genetics (formerly Invitae), Labcorp
Classification: Pathogenic. Last evaluated: 2025-06-02. Review status: criteria provided, single submitter. Criteria: Invitae Variant Classification Sherloc (09022015). Collection method: clinical testing. Allele origin: germline.
Comment: This sequence change falls in intron 26 of the USH2A gene. It does not directly change the encoded amino acid sequence of the USH2A protein. It affects a nucleotide within the consensus splice site. This variant is present in population databases (no rsID available, gnomAD 0.009%). This variant has been observed in individual(s) with retinitis pigmentosa and/or Usher syndrome (internal data). In at least one individual the data is consistent with being in trans (on the opposite chromosome) from a pathogenic variant. ClinVar contains an entry for this variant (Variation ID: 1038199). Variants that disrupt the consensus splice site are a relatively common cause of aberrant splicing (PMID: 17576681, 9536098). Algorithms developed to predict the effect of sequence changes on RNA splicing suggest that this variant may disrupt the consensus splice site. For these reasons, this variant has been classified as Pathogenic.

Victorian Clinical Genetics Services, Murdoch Childrens Research Institute
Classification: Likely pathogenic for Usher syndrome type 2A. Last evaluated: 2024-09-22. Review status: criteria provided, single submitter. Criteria: ACMG Guidelines, 2015. Collection method: clinical testing. Allele origin: germline. Inheritance: Autosomal recessive inheritance. Affected: yes.
Comment: Based on the classification scheme VCGS_Germline_v1.3.4, this variant is classified as Likely Pathogenic. Following criteria are met: 0102 - Loss of function is a known mechanism of disease in this gene and is associated with retinitis pigmentosa 39 (MIM#613809), and Usher syndrome, type 2A (MIM#276901). (I) 0106 - This gene is associated with autosomal recessive disease. (I) 0212 - Non-canonical splice variant without proven consequence on splicing (no functional evidence available). (SP) 0251 - This variant is heterozygous. (I) 0304 - Variant is present in gnomAD (v2) <0.01 for a recessive condition (3 heterozygotes, 0 homozygotes). (SP) 0505 - Abnormal splicing is predicted by in silico tools and affected nucleotide is highly conserved. (SP) 0705 - No comparable splice variants have previous evidence for pathogenicity. (I) 0803 - This variant has limited previous evidence of pathogenicity in unrelated individuals. This variant has been reported once each as a VUS and pathogenic (ClinVar), and has been observed in a compound heterozygous individual with Usher syndrome (PMID: 34948090). (SP) 0906 - Segregation evidence for this variant is inconclusive. (I) 1007 - No published functional evidence has been identified for this variant. (I) 1201 - Heterozygous variant detected in trans with a second pathogenic heterozygous variant (c.1841-2A>G) in a recessive disease. (I) Legend: (SP) - Supporting pathogenic, (I) - Information, (SB) - Supporting benign

GeneDx
Classification: Uncertain significance. Last evaluated: 2024-08-07. Review status: criteria provided, single submitter. Criteria: GeneDx Variant Classification Process June 2021. Collection method: clinical testing. Allele origin: germline. Affected: yes.
Comment: Intronic variant directly or indirectly altering the +5 splice site in a gene for which loss of function is a known mechanism of disease, and splice predictors support a deleterious effect; This variant is associated with the following publications: (PMID: 34948090)

Natera, Inc.
Classification: Uncertain significance for Usher syndrome type 2A. Last evaluated: 2021-03-25. Review status: no assertion criteria provided. Collection method: clinical testing. Allele origin: germline. Not counted in ClinVar's aggregate classification.

Literature cited by the submitters: PubMed 34948090 (cited by Myriad Genetics, Inc. and Victorian Clinical Genetics Services, Murdoch Childrens Research Institute); PubMed 17576681 (cited by Labcorp Genetics (formerly Invitae), Labcorp); PubMed 9536098 (cited by Labcorp Genetics (formerly Invitae), Labcorp).

NM_206933.4(USH2A):c.5298+5G>A

Genes: USH2A (usherin; minus strand), USH2A-AS2 (USH2A antisense RNA 2; plus strand). Cytogenetic location: 1q41.
Variant type: single nucleotide variant.
Coding change: c.5298+5G>A on transcript NM_206933.4 (MANE Select); 5 bases into the intron after coding-DNA position 5298, G replaced by A.
Molecular consequence: intron variant.
Genome position (GRCh38, 1-based): chr1:216,083,451, C>T on the plus strand (G>A on the coding strand, the complement: USH2A is on the minus strand). VCF-style: chr1-216083451-C-T. GRCh37 (hg19) VCF-style: chr1-216256793-C-T.
Other names: c.5298+5G>A (NM_206933.2).
Identifiers: ClinVar variation 1038199 (VCV001038199.12), dbSNP rs1176314553, ClinGen allele CA528730404.
Genomic context (GRCh38, chr1:216,083,451, plus strand): 5'-GGTTTATTTATTTTAAAGTTGGGTCCTATATTTTAAAGTAATTTTAATCAAATTAATTCA[C>T]ATACAGCAAGAAAATCAGGTCCATCTTTGTTATAAACGAAAAGAAGCAATCCATTTAATT-3'